The following is an entry in ClinVar:

NM_015450.3(POT1):c.1050del (p.Ile351fs)

Gene: POT1 (protection of telomeres 1; minus strand). Cytogenetic location: 7q31.33.
Variant type: Deletion.
Coding change: c.1050del on transcript NM_015450.3 (MANE Select); coding-DNA position 1050, one base deleted (C; older notation c.1050delC).
Protein change: p.Ile351fs; shifts the reading frame from isoleucine 351.
Molecular consequence: frameshift variant. On other transcripts: non-coding transcript variant (3).
Genome position (GRCh38, 1-based): chr7:124,842,920, G deleted on the plus strand (C on the coding strand, the reverse complement: POT1 is on the minus strand); the first of 2 consecutive G bases (chr7:124,842,920-124,842,921); deleting either gives the same sequence. VCF-style (leftmost placement, unchanged base first): chr7-124842919-TG-T. GRCh37 (hg19) VCF-style: chr7-124482973-TG-T.
Other names: c.657del, p.Ile220fs (NM_001042594.2); short protein forms I220fs, I351fs.
Identifiers: ClinVar variation 5027197 (VCV005027197.1).
Genomic context (GRCh38, chr7:124,842,919, plus strand): 5'-GCTTATATGACCTCAATTTTGCTCGGATGCGGTATTGTTGAGGAGCTTTTTGTTTCAAAA[TG>T]GCACATAGTGGTGTCCTCTCCAAATACTGATGATCTGTAAGTACTGTAAAGAATTTTTAT-3'

ClinVar aggregate classification (germline): Pathogenic (1 of 4 stars; one submission).

Conditions:
Hereditary cancer-predisposing syndrome. Also called: Neoplastic Syndromes, Hereditary; Tumor predisposition; Hereditary neoplastic syndrome; Hereditary Cancer Syndrome. Identifiers: Orphanet 140162, MedGen C0027672, MeSH D009386, MONDO:0015356.

Submission:

Ambry Genetics
Classification: Pathogenic for Hereditary cancer-predisposing syndrome. Last evaluated: 2026-09-02. Review status: criteria provided, single submitter. Criteria: Ambry Variant Classification Scheme 2023. Collection method: clinical testing. Allele origin: germline.
Comment: The c.1050delC pathogenic mutation, located in coding exon 9 of the POT1 gene, results from a deletion of one nucleotide at nucleotide position 1050, causing a translational frameshift with a predicted alternate stop codon (p.I351Ffs*2). This variant is considered to be rare based on population cohorts in the Genome Aggregation Database (gnomAD). This alteration is expected to result in loss of function by premature protein truncation or nonsense-mediated mRNA decay. As such, this alteration is interpreted as a disease-causing mutation.